The following is an entry in ClinVar:

ClinVar aggregate classification (germline): Benign. Review status: criteria provided, single submitter (1 of 4 stars). 2 submissions from 2 submitters: Benign (1). 1 of the submissions does not count toward it. Last evaluated 2024-10-13.

Conditions:
Coffin-Lowry syndrome (CLS). Also called: COFFIN-LOWRY SYNDROME, MILD; Mental retardation with osteocartilaginous abnormalities. Identifiers: Orphanet 192, MedGen C0265252, MONDO:0010561, OMIM 303600.
Intellectual developmental disorder, X-linked 19. Also called: Intellectual disability, X-linked 19. Identifiers: Orphanet 777, MedGen C0796225, MONDO:0010447, OMIM 300844.
RPS6KA3-related disorder. Also called: RPS6KA3-related condition.

gnomAD v4.1: 30 of 1,206,529 alleles (0.0025%); highest among the groups gnomAD compares: Admixed American, 0.013%; no homozygotes.

Submissions (2):

Labcorp Genetics (formerly Invitae), Labcorp
Classification: Benign for Coffin-Lowry syndrome; Intellectual developmental disorder, X-linked 19. Last evaluated: 2024-10-13. Review status: criteria provided, single submitter. Criteria: Invitae Variant Classification Sherloc (09022015). Collection method: clinical testing. Allele origin: germline.

PreventionGenetics, part of Exact Sciences
Classification: Likely benign for RPS6KA3-related condition. Last evaluated: 2021-10-21. Review status: no assertion criteria provided. Collection method: clinical testing. Allele origin: germline. Not counted in ClinVar's aggregate classification.
Comment: This variant is classified as likely benign based on ACMG/AMP sequence variant interpretation guidelines (Richards et al. 2015 PMID: 25741868, with internal and published modifications).

NM_004586.3(RPS6KA3):c.885G>A (p.Ala295=)

Gene: RPS6KA3 (ribosomal protein S6 kinase A3; minus strand). Cytogenetic location: Xp22.12.
Variant type: single nucleotide variant.
Coding change: c.885G>A on transcript NM_004586.3 (MANE Select); coding-DNA position 885, G replaced by A.
Protein change: p.Ala295=; no amino-acid change (alanine 295 retained).
Molecular consequence: synonymous variant.
Genome position (GRCh38, 1-based): chrX:20,177,045, C>T on the plus strand (G>A on the coding strand, the complement: RPS6KA3 is on the minus strand). VCF-style: chrX-20177045-C-T. GRCh37 (hg19) VCF-style: chrX-20195163-C-T.
Other names: c.885G>A (NM_004586.2).
Identifiers: ClinVar variation 2102070 (VCV002102070.5), dbSNP rs199789130, ClinGen allele CA10366202.